The following is an entry in ClinVar:

NM_012082.4(ZFPM2):c.1519A>G (p.Ile507Val)

Genes: ZFPM2 (zinc finger protein, FOG family member 2; plus strand), ZFPM2-AS1 (ZFPM2 antisense RNA 1; minus strand). Cytogenetic location: 8q23.1.
Variant type: single nucleotide variant.
Coding change: c.1519A>G on transcript NM_012082.4 (MANE Select); coding-DNA position 1519, A replaced by G.
Protein change: p.Ile507Val; replaces isoleucine 507 with valine.
Molecular consequence: missense variant.
Genome position (GRCh38, 1-based): chr8:105,801,601, A>G. VCF-style: chr8-105801601-A-G. GRCh37 (hg19) VCF-style: chr8-106813829-A-G.
Other names: c.1360A>G, p.Ile454Val (NM_001362836.2); c.1123A>G, p.Ile375Val (NM_001362837.2); short protein forms I375V, I454V, I507V.
Identifiers: ClinVar variation 4278499 (VCV004278499.1).

ClinVar aggregate classification (germline): Uncertain significance (1 of 4 stars; one submission).

gnomAD v4.1: 1 of 1,613,770 alleles (0.000062%); highest among the groups gnomAD compares: South Asian, 0.0011%; no homozygotes.

Submission:

GeneDx
Classification: Uncertain significance. Last evaluated: 2025-04-04. Review status: criteria provided, single submitter. Criteria: GeneDx Variant Classification Process June 2021. Collection method: clinical testing. Allele origin: germline. Affected: yes.
Comment: Not observed at significant frequency in large population cohorts (gnomAD); In silico analysis indicates that this missense variant does not alter protein structure/function; Has not been previously published as pathogenic or benign to our knowledge